The following is an entry in ClinVar:

ClinVar aggregate classification (germline): Pathogenic. Review status: criteria provided, multiple submitters, no conflicts (2 of 4 stars). 6 submissions from 6 submitters: Pathogenic (5). 1 of the submissions does not count toward it. Last evaluated 2026-07-03.

Conditions:
Usher syndrome. Also called: Usher Syndromes; Usher's syndrome. Identifiers: Orphanet 886, MedGen CN469326, MeSH D052245, MONDO:0019501. Disease mechanism: loss of function.
ADGRV1-related disorder. Also called: ADGRV1-related condition; ADGRV1-related disorders.
Usher syndrome type 2C. Also called: Usher syndrome, type 2B; USHER SYNDROME, TYPE IIC. Identifiers: Orphanet 231178, Orphanet 886, MedGen C2931213, MONDO:0011558, OMIM 605472.
Febrile seizures, familial, 4 (FEB4). Also called: CONVULSIONS, FAMILIAL FEBRILE, 4. Identifiers: MedGen C1858493, MONDO:0011443, OMIM 604352.
Monogenic hearing loss.

Allele frequency attached by ClinVar (database versions not stated): gnomAD exomes 0.00002; ExAC 0.00003.
gnomAD v4.1: 14 of 1,611,232 alleles (0.00087%); highest among the groups gnomAD compares: South Asian, 0.015%; 1 homozygote.

Submissions (6):

Genetics Laboratory, Great Ormond Street Hospital NHS Foundation Trust, North Thames Genomic Laboratory Hub
Classification: Pathogenic for Monogenic hearing loss. Last evaluated: 2026-07-03. Review status: criteria provided, single submitter. Criteria: ACGS Best Practice Guidelines for Variant Classification in Rare Disease 2024 v1.2. Collection method: clinical testing. Allele origin: germline. Affected: yes.
Comment: PM2_supporting, PVS1_very-strong, PM3_moderate

Labcorp Genetics (formerly Invitae), Labcorp
Classification: Pathogenic. Last evaluated: 2025-12-30. Review status: criteria provided, single submitter. Criteria: Invitae Variant Classification Sherloc (09022015). Collection method: clinical testing. Allele origin: germline.
Comment: This sequence change creates a premature translational stop signal (p.Tyr4266*) in the ADGRV1 gene. It is expected to result in an absent or disrupted protein product. Loss-of-function variants in ADGRV1 are known to be pathogenic (PMID: 19357117, 22135276, 22147658, 26226137, 30718709, 31047384, 32467589). This variant is present in population databases (rs777309662, gnomAD 0.02%). This premature translational stop signal has been observed in individual(s) with autosomal recessive ADGRV1-related conditions (PMID: 28041643, 32581362). ClinVar contains an entry for this variant (Variation ID: 438168). For these reasons, this variant has been classified as Pathogenic.

Fulgent Genetics
Classification: Pathogenic for Febrile seizures, familial, 4; Usher syndrome type 2C. Last evaluated: 2024-04-02. Review status: criteria provided, single submitter. Criteria: ACMG Guidelines, 2015. Collection method: clinical testing. Allele origin: germline.

Blueprint Genetics
Classification: Pathogenic for ADGRV1-related disorders. Last evaluated: 2022-10-11. Review status: criteria provided, single submitter. Criteria: ACMG Guidelines, 2015. Collection method: clinical testing. Allele origin: germline. Affected: yes. Observed: 5 variant alleles.

Laboratory for Molecular Medicine, Mass General Brigham Personalized Medicine
Classification: Pathogenic for Usher syndrome. Last evaluated: 2019-10-10. Review status: criteria provided, single submitter. Criteria: LMM Criteria. Collection method: clinical testing. Allele origin: germline. Inheritance: Autosomal recessive inheritance. Observed: 5 variant alleles.
Comment: The p.Tyr4266X variant in ADGRV1 (also known as GPR98) has been previously reported in two individuals with hearing loss by our laboratory. Both individuals were tested before the age of 5 years and were not reported to have any vision concerns. This variant has also been identified in 0.02% (6/30350) South Asian chromosomes by gnomAD. Although this variant has been seen in the general population, its frequency is low enough to be consistent with a recessive carrier frequency. This nonsense variant leads to a premature termination codon at position 4266, which is predicted to lead to a truncated or absent protein. Loss of function of the ADGRV1 gene is an established disease mechanism in autosomal recessive Usher syndrome. In summary, this variant meets criteria to be classified as pathogenic for autosomal recessive Usher syndrome. ACMG/AMP Criteria applied: PVS1, PM3_Supporting, PP1, PM2_Supporting.

NIHR Bioresource Rare Diseases, University of Cambridge
Classification: Likely pathogenic for Usher syndrome. Last evaluated: 2015-01-01. Review status: no assertion criteria provided. Collection method: research. Allele origin: unknown. Affected: yes. Observed: 1 variant allele. Not counted in ClinVar's aggregate classification.

Literature cited by the submitters: PubMed 19357117 (cited by Labcorp Genetics (formerly Invitae), Labcorp); PubMed 22135276 (cited by Labcorp Genetics (formerly Invitae), Labcorp); PubMed 22147658 (cited by Labcorp Genetics (formerly Invitae), Labcorp); PubMed 26226137 (cited by Labcorp Genetics (formerly Invitae), Labcorp); PubMed 30718709 (cited by Labcorp Genetics (formerly Invitae), Labcorp); PubMed 31047384 (cited by Labcorp Genetics (formerly Invitae), Labcorp); PubMed 32467589 (cited by Labcorp Genetics (formerly Invitae), Labcorp); PubMed 28041643 (cited by Labcorp Genetics (formerly Invitae), Labcorp and NIHR Bioresource Rare Diseases, University of Cambridge); PubMed 32581362 (cited by Labcorp Genetics (formerly Invitae), Labcorp).

NM_032119.4(ADGRV1):c.12798T>A (p.Tyr4266Ter)

Gene: ADGRV1 (adhesion G protein-coupled receptor V1; plus strand). Cytogenetic location: 5q14.3.
Variant type: single nucleotide variant.
Coding change: c.12798T>A on transcript NM_032119.4 (MANE Select); coding-DNA position 12798, T replaced by A.
Protein change: p.Tyr4266Ter; replaces tyrosine 4266 with a stop codon.
Molecular consequence: nonsense. On other transcripts: non-coding transcript variant (1).
Genome position (GRCh38, 1-based): chr5:90,778,558, T>A. VCF-style: chr5-90778558-T-A. GRCh37 (hg19) VCF-style: chr5-90074375-T-A.
Other names: short protein forms Y4266*.
Identifiers: ClinVar variation 438168 (VCV000438168.17), dbSNP rs777309662, ClinGen allele CA3341335.
Genomic context (GRCh38, chr5:90,778,558, plus strand): 5'-AGTTCTGAGTGAATCCAGCAGCACTGCCAACATCACGGTGGTGGCCAGCGACTCTCCCTA[T>A]GGCCGATTTGCCTTTTCACATGAGCAACTTCGAGTGTCAGAAGCACAGAGGGTATAGTAT-3'